The following is an entry in ClinVar:

NM_001042492.3(NF1):c.1962dup (p.Gly655fs)

Gene: NF1 (neurofibromin 1; plus strand). Cytogenetic location: 17q11.2.
Variant type: Duplication.
Coding change: c.1962dup on transcript NM_001042492.3 (MANE Select); coding-DNA position 1962, one base duplicated (T; older notation c.1962dupT).
Protein change: p.Gly655fs; shifts the reading frame from glycine 655.
Molecular consequence: frameshift variant.
Genome position (GRCh38, 1-based): chr17:31,225,211, T duplicated. VCF-style (leftmost placement, unchanged base first): chr17-31225210-C-CT. GRCh37 (hg19) VCF-style: chr17-29552228-C-CT.
Other names: c.1962dup, p.Gly655Trpfs (NM_000267.4); short protein forms G655fs.
Identifiers: ClinVar variation 2751829 (VCV002751829.3), dbSNP rs2508142495, ClinGen allele CA2697559704.

ClinVar aggregate classification (germline): Pathogenic (1 of 4 stars; one submission).

Conditions:
Neurofibromatosis, type 1 (NF1). Also called: Peripheral type neurofibromatosis; NEUROFIBROMATOSIS, TYPE I, SOMATIC; VON RECKLINGHAUSEN DISEASE; Neurofibromatosis, type I. Identifiers: Orphanet 636, MedGen C0027831, MONDO:0018975, OMIM 162200. Disease mechanism: loss of function.

Submission:

Labcorp Genetics (formerly Invitae), Labcorp
Classification: Pathogenic for Neurofibromatosis, type 1. Last evaluated: 2023-08-11. Review status: criteria provided, single submitter. Criteria: Invitae Variant Classification Sherloc (09022015). Collection method: clinical testing. Allele origin: germline.
Comment: This sequence change creates a premature translational stop signal (p.Gly655Trpfs*15) in the NF1 gene. It is expected to result in an absent or disrupted protein product. Loss-of-function variants in NF1 are known to be pathogenic (PMID: 10712197, 23913538). This variant is not present in population databases (gnomAD no frequency). This variant has not been reported in the literature in individuals affected with NF1-related conditions. For these reasons, this variant has been classified as Pathogenic.

Literature cited by the submitters: PubMed 10712197; PubMed 23913538.